The following is an entry in ClinVar:

ClinVar aggregate classification (germline): Uncertain significance. Review status: criteria provided, multiple submitters, no conflicts (2 of 4 stars). 5 submissions from 5 submitters: Uncertain significance (5). Last evaluated 2025-12-20.

Conditions:
Hereditary cancer-predisposing syndrome. Also called: Neoplastic Syndromes, Hereditary; Tumor predisposition; Hereditary neoplastic syndrome; Hereditary Cancer Syndrome. Identifiers: Orphanet 140162, MedGen C0027672, MeSH D009386, MONDO:0015356.
Oligodontia-cancer predisposition syndrome. Also called: TOOTH AGENESIS-COLORECTAL CANCER SYNDROME. Identifiers: Orphanet 300576, MedGen C1837750, MONDO:0012075, OMIM 608615. Disease mechanism: loss of function.
AXIN2-related disorder.

Allele frequency attached by ClinVar (database versions not stated): TOPMed 0.00002; gnomAD 0.00003 and 0.00004.
gnomAD v4.1: 9 of 1,614,060 alleles (0.00056%); highest among the groups gnomAD compares: Admixed American, 0.013%; no homozygotes.

Submissions (5):

Labcorp Genetics (formerly Invitae), Labcorp
Classification: Uncertain significance for Oligodontia-cancer predisposition syndrome. Last evaluated: 2025-12-20. Review status: criteria provided, single submitter. Criteria: Invitae Variant Classification Sherloc (09022015). Collection method: clinical testing. Allele origin: germline.
Comment: This sequence change replaces serine, which is neutral and polar, with tryptophan, which is neutral and slightly polar, at codon 376 of the AXIN2 protein (p.Ser376Trp). This variant is present in population databases (no rsID available, gnomAD 0.01%). This variant has not been reported in the literature in individuals affected with AXIN2-related conditions. ClinVar contains an entry for this variant (Variation ID: 567715). Invitae Evidence Modeling of protein sequence and biophysical properties (such as structural, functional, and spatial information, amino acid conservation, physicochemical variation, residue mobility, and thermodynamic stability) indicates that this missense variant is not expected to disrupt AXIN2 protein function with a negative predictive value of 80%. In summary, the available evidence is currently insufficient to determine the role of this variant in disease. Therefore, it has been classified as a Variant of Uncertain Significance.

Ambry Genetics
Classification: Uncertain significance for Hereditary cancer-predisposing syndrome. Last evaluated: 2024-04-06. Review status: criteria provided, single submitter. Criteria: Ambry Variant Classification Scheme 2023. Collection method: clinical testing. Allele origin: germline.
Comment: The p.S376W variant (also known as c.1127C>G), located in coding exon 4 of the AXIN2 gene, results from a C to G substitution at nucleotide position 1127. The serine at codon 376 is replaced by tryptophan, an amino acid with highly dissimilar properties. This amino acid position is conserved. In addition, the in silico prediction for this alteration is inconclusive. Since supporting evidence is limited at this time, the clinical significance of this alteration remains unclear.

GeneDx
Classification: Uncertain significance. Last evaluated: 2024-02-21. Review status: criteria provided, single submitter. Criteria: GeneDx Variant Classification Process June 2021. Collection method: clinical testing. Allele origin: germline. Affected: yes.
Comment: Not observed at significant frequency in large population cohorts (gnomAD); In silico analysis supports that this missense variant has a deleterious effect on protein structure/function; Has not been previously published as pathogenic or benign to our knowledge; This variant is associated with the following publications: (PMID: 15735151)

PreventionGenetics, part of Exact Sciences
Classification: Uncertain significance for AXIN2-related condition. Last evaluated: 2023-06-13. Review status: criteria provided, single submitter. Criteria: ACMG Guidelines, 2015. Collection method: clinical testing. Allele origin: germline.
Comment: The AXIN2 c.1127C>G variant is predicted to result in the amino acid substitution p.Ser376Trp. To our knowledge, this variant has not been reported in the literature. This variant is reported in 0.011% of alleles in individuals of Latino descent in gnomAD. It is interpreted as uncertain significance in ClinVar. At this time, the clinical significance of this variant is uncertain due to the absence of conclusive functional and genetic evidence.

St. Jude Molecular Pathology, St. Jude Children's Research Hospital
Classification: Uncertain significance for Oligodontia-cancer predisposition syndrome. Last evaluated: 2022-12-07. Review status: criteria provided, single submitter. Criteria: St. Jude Assertion Criteria 2020. Collection method: clinical testing. Allele origin: germline.
Comment: The AXIN2 c.1127C>G (p.Ser376Trp) change has a maximum subpopulation frequency of 0.011% in gnomAD v2.1.1. The in silico tool REVEL is inconclusive about a pathogenic or benign effect of this variant on protein function, and to our knowledge functional studies have not been performed. To our knowledge, this variant has not been reported in the literature in individuals with oligodontia-cancer predisposition syndrome. In summary, the evidence currently available is insufficient to determine the clinical significance of this variant. It has therefore been classified as of uncertain significance.

NM_004655.4(AXIN2):c.1127C>G (p.Ser376Trp)

Gene: AXIN2 (axin 2; minus strand). Cytogenetic location: 17q24.1.
Variant type: single nucleotide variant.
Coding change: c.1127C>G on transcript NM_004655.4 (MANE Select); coding-DNA position 1127, C replaced by G.
Protein change: p.Ser376Trp; replaces serine 376 with tryptophan.
Molecular consequence: missense variant.
Genome position (GRCh38, 1-based): chr17:65,538,276, G>C on the plus strand (C>G on the coding strand, the complement: AXIN2 is on the minus strand). VCF-style: chr17-65538276-G-C. GRCh37 (hg19) VCF-style: chr17-63534394-G-C.
Other names: c.1127C>G, p.Ser376Trp (NM_001363813.1); c.1127C>G (LRG_296t1); short protein forms S376W.
Identifiers: ClinVar variation 567715 (VCV000567715.14), dbSNP rs772908702, ClinGen allele CA293099012.
Genomic context (GRCh38, chr17:65,538,276, plus strand): 5'-TGCAGGCGCTCCTCCAGGCTGTGGCGGCTCTCCAACTCCAGCTTCAGCTTTTCCAGCCTC[G>C]AGATCAGCTCAGCTGCAAAGGTGGCGGGTTCCACGGGGGTCATCTCCTTGGGCAGGCGGT-3'
Protein context (NP_004646.3, residues 366-386): EPATFAAELI[Ser376Trp]RLEKLKLELE